The following is an entry in ClinVar:

ClinVar aggregate classification (germline): Pathogenic (1 of 4 stars; one submission).

Conditions:
Deficiency of alpha-mannosidase (MANSA). Also called: Alpha-Mannosidosis; Mannosidosis, alpha-, types I and II; LYSOSOMAL ALPHA-D-MANNOSIDASE DEFICIENCY. Identifiers: Orphanet 61, MedGen C0024748, MONDO:0009561, OMIM 248500.

Submission:

MGZ Medical Genetics Center
Classification: Pathogenic for Deficiency of alpha-mannosidase. Last evaluated: 2022-05-02. Review status: criteria provided, single submitter. Criteria: ACMG Guidelines, 2015. Collection method: clinical testing. Allele origin: germline. Affected: yes. Observed: 1 variant allele.
Comment: ACMG criteria applied: PVS1, PM2_SUP, PM3_SUP

NM_000528.4(MAN2B1):c.624dup (p.Ala209fs)

Gene: MAN2B1 (mannosidase alpha class 2B member 1; minus strand). Cytogenetic location: 19p13.13.
Variant type: Duplication.
Coding change: c.624dup on transcript NM_000528.4 (MANE Select); coding-DNA position 624, one base duplicated (T; older notation c.624dupT).
Protein change: p.Ala209fs; shifts the reading frame from alanine 209.
Molecular consequence: frameshift variant.
Genome position (GRCh38, 1-based): chr19:12,664,798, A duplicated on the plus strand (T on the coding strand, the reverse complement: MAN2B1 is on the minus strand); the first of 3 consecutive A bases (chr19:12,664,798-12,664,800); duplicating any one gives the same sequence. VCF-style (leftmost placement, unchanged base first): chr19-12664797-C-CA. GRCh37 (hg19) VCF-style: chr19-12775611-C-CA.
Other names: c.624dup, p.Ala209fs (NM_001173498.2); short protein forms A209fs.
Identifiers: ClinVar variation 1709479 (VCV001709479.2), dbSNP rs2512514374, ClinGen allele CA2580096469.